The following is an entry in ClinVar:

NM_021098.3(CACNA1H):c.2542G>A (p.Gly848Ser)

Gene: CACNA1H (calcium voltage-gated channel subunit alpha1 H; plus strand). Cytogenetic location: 16p13.3.
Variant type: single nucleotide variant.
Coding change: c.2542G>A on transcript NM_021098.3 (MANE Select); coding-DNA position 2542, G replaced by A.
Protein change: p.Gly848Ser; replaces glycine 848 with serine.
Molecular consequence: missense variant.
Genome position (GRCh38, 1-based): chr16:1,205,204, G>A. VCF-style: chr16-1205204-G-A. GRCh37 (hg19) VCF-style: chr16-1255204-G-A.
Other names: c.2542G>A, p.Gly848Ser (NM_001005407.2); short protein forms G848S.
Identifiers: ClinVar variation 568423 (VCV000568423.14), dbSNP rs374272094, ClinGen allele CA7800327.

ClinVar aggregate classification (germline): Benign/Likely benign. Review status: criteria provided, multiple submitters, no conflicts (2 of 4 stars). 2 submissions from 2 submitters: Benign (1); Likely benign (1). Last evaluated 2025-11-26.

Conditions:
Idiopathic generalized epilepsy. Also called: EIG; Generalised epilepsy. Identifiers: MedGen C0270850, MONDO:0005579, OMIM 600669.
Hyperaldosteronism, familial, type IV (HALD4). Also called: FH IV; ALDOSTERONISM, PRIMARY, AND HYPERTENSION. Identifiers: Orphanet 642671, MedGen C4310756, MONDO:0014875, OMIM 617027.

Allele frequency attached by ClinVar (database versions not stated): gnomAD 0.00017 and 0.00019; ExAC 0.00006; gnomAD exomes 0.00008 and 0.00004; 1000 Genomes Project 30x 0.00016; ESP Exome Variant Server 0.00016; 1000 Genomes Project 0.00020; TOPMed 0.00018.
gnomAD v4.1: 91 of 1,613,030 alleles (0.0056%); highest among the groups gnomAD compares: African/African-American, 0.037%; 1 homozygote.

Submissions (2):

Women's Health and Genetics/Laboratory Corporation of America, LabCorp
Classification: Likely benign. Last evaluated: 2025-11-26. Review status: criteria provided, single submitter. Criteria: LabCorp Variant Classification Summary - May 2015. Collection method: clinical testing. Allele origin: germline.
Comment: Variant summary: CACNA1H c.2542G>A (p.Gly848Ser) results in a non-conservative amino acid change located in the Ion transport domain (IPR005821) of the encoded protein sequence. Algorithms developed to predict the effect of missense changes on protein structure and function all suggest that this variant is likely to be disruptive. The variant allele was found at a frequency of 7.6e-05 in 249036 control chromosomes. The occurrence in multiple healthy controls suggests the variant is likely a benign polymorphism. c.2542G>A has been observed in a child with epilepsy and Autism Spectrum Disorder (Long_2019). It has also been reported in an individual affected with childhood absence epilepsy who inherited the variant from their unaffected parent (Chen_2003). These reports do not provide unequivocal conclusions about association of the variant with Idiopathic Generalized Epilepsy. Two functional studies were contradictory on their findings and did not allow convincing conclusions about the variant effect. Specifically, one study noted changes in activation and inactivation but not deactivation kinetics for the variant (Peloquin_2006) while the other study showed opposite results finding no alterations in activation and inactivation kinetics but small changes in the deactivation kinetics at very negative voltages (Vitko_2005). The following publications have been ascertained in the context of this evaluation (PMID: 12891677, 31139143, 15888660, 16529636). ClinVar contains an entry for this variant (Variation ID: 568423). Based on the evidence outlined above, the variant was classified as likely benign.

Labcorp Genetics (formerly Invitae), Labcorp
Classification: Benign for Idiopathic generalized epilepsy; Hyperaldosteronism, familial, type IV. Last evaluated: 2025-06-24. Review status: criteria provided, single submitter. Criteria: Invitae Variant Classification Sherloc (09022015). Collection method: clinical testing. Allele origin: germline.

Literature cited by the submitters: PubMed 12891677 (cited by Women's Health and Genetics/Laboratory Corporation of America, LabCorp); PubMed 31139143 (cited by Women's Health and Genetics/Laboratory Corporation of America, LabCorp); PubMed 15888660 (cited by Women's Health and Genetics/Laboratory Corporation of America, LabCorp); PubMed 16529636 (cited by Women's Health and Genetics/Laboratory Corporation of America, LabCorp).